The following is an entry in ClinVar:

NM_004629.2(FANCG):c.243G>A (p.Arg81=)

Gene: FANCG (FA complementation group G; minus strand). Cytogenetic location: 9p13.3.
Variant type: single nucleotide variant.
Coding change: c.243G>A on transcript NM_004629.2 (MANE Select); coding-DNA position 243, G replaced by A.
Protein change: p.Arg81=; no amino-acid change (arginine 81 retained).
Molecular consequence: synonymous variant.
Genome position (GRCh38, 1-based): chr9:35,078,669, C>T on the plus strand (G>A on the coding strand, the complement: FANCG is on the minus strand). VCF-style: chr9-35078669-C-T. GRCh37 (hg19) VCF-style: chr9-35078666-C-T.
Identifiers: ClinVar variation 2856387 (VCV002856387.9), dbSNP rs2131059065, ClinGen allele CA464415918.

ClinVar aggregate classification (germline): Likely benign. Review status: criteria provided, multiple submitters, no conflicts (2 of 4 stars). 2 submissions from 2 submitters: Likely benign (2). Last evaluated 2025-11-01.

Conditions:
Fanconi anemia (FA). Also called: Fanconi's anemia. Identifiers: Orphanet 84, MedGen C0015625, MeSH D005199, MONDO:0019391.

Allele frequency attached by ClinVar (database versions not stated): gnomAD exomes below 0.00001.
gnomAD v4.1: 4 of 1,614,096 alleles (0.00025%); highest among the groups gnomAD compares: South Asian, 0.0033%; no homozygotes.

Submissions (2):

CeGaT Center for Human Genetics Tuebingen
Classification: Likely benign. Last evaluated: 2025-11-01. Review status: criteria provided, single submitter. Criteria: CeGaT Center For Human Genetics Tuebingen Variant Classification Criteria Version 2. Collection method: clinical testing. Allele origin: germline. Affected: yes. Observed: 1 variant allele.
Comment: FANCG: BP4, BP7

Labcorp Genetics (formerly Invitae), Labcorp
Classification: Likely benign for Fanconi anemia. Last evaluated: 2023-08-23. Review status: criteria provided, single submitter. Criteria: Invitae Variant Classification Sherloc (09022015). Collection method: clinical testing. Allele origin: germline.